The following is an entry in ClinVar:

NM_002470.4(MYH3):c.5764C>T (p.Arg1922Cys)

Gene: MYH3 (myosin heavy chain 3; minus strand). Cytogenetic location: 17p13.1.
Variant type: single nucleotide variant.
Coding change: c.5764C>T on transcript NM_002470.4 (MANE Select); coding-DNA position 5764, C replaced by T.
Protein change: p.Arg1922Cys; replaces arginine 1922 with cysteine.
Molecular consequence: missense variant.
Genome position (GRCh38, 1-based): chr17:10,629,629, G>A on the plus strand (C>T on the coding strand, the complement: MYH3 is on the minus strand). VCF-style: chr17-10629629-G-A. GRCh37 (hg19) VCF-style: chr17-10532946-G-A.
Other names: short protein forms R1922C.
Identifiers: ClinVar variation 2414169 (VCV002414169.6), dbSNP rs1358047070, ClinGen allele CA398129201.

ClinVar aggregate classification (germline): Uncertain significance (1 of 4 stars; one submission).

Allele frequency attached by ClinVar (database versions not stated): gnomAD 0.00001; gnomAD exomes 0.00001; TOPMed 0.00001.
gnomAD v4.1: 10 of 1,613,858 alleles (0.00062%); highest among the groups gnomAD compares: Non-Finnish European, 0.00085%; no homozygotes.

Submission:

Labcorp Genetics (formerly Invitae), Labcorp
Classification: Uncertain significance. Last evaluated: 2022-09-15. Review status: criteria provided, single submitter. Criteria: Invitae Variant Classification Sherloc (09022015). Collection method: clinical testing. Allele origin: germline.
Comment: This sequence change replaces arginine, which is basic and polar, with cysteine, which is neutral and slightly polar, at codon 1922 of the MYH3 protein (p.Arg1922Cys). In summary, the available evidence is currently insufficient to determine the role of this variant in disease. Therefore, it has been classified as a Variant of Uncertain Significance. Advanced modeling of protein sequence and biophysical properties (such as structural, functional, and spatial information, amino acid conservation, physicochemical variation, residue mobility, and thermodynamic stability) performed at Invitae indicates that this missense variant is not expected to disrupt MYH3 protein function. This variant has not been reported in the literature in individuals affected with MYH3-related conditions. This variant is not present in population databases (gnomAD no frequency).